The following is an entry in ClinVar:

NM_015386.3(COG4):c.1358G>T (p.Ser453Ile)

Gene: COG4 (component of oligomeric golgi complex 4; minus strand). Cytogenetic location: 16q22.1.
Variant type: single nucleotide variant.
Coding change: c.1358G>T on transcript NM_015386.3 (MANE Select); coding-DNA position 1358, G replaced by T.
Protein change: p.Ser453Ile; replaces serine 453 with isoleucine.
Molecular consequence: missense variant. On other transcripts: non-coding transcript variant (1).
Genome position (GRCh38, 1-based): chr16:70,497,344, C>A on the plus strand (G>T on the coding strand, the complement: COG4 is on the minus strand). VCF-style: chr16-70497344-C-A. GRCh37 (hg19) VCF-style: chr16-70531247-C-A.
Other names: c.1358G>T (NM_015386.2); c.1346G>T, p.Ser449Ile (NM_001195139.2); c.932G>T, p.Ser311Ile (NM_001365426.1); short protein forms S311I, S449I, S453I.
Identifiers: ClinVar variation 1044537 (VCV001044537.7), dbSNP rs149376914, ClinGen allele CA8144344.
Genomic context (GRCh38, chr16:70,497,344, plus strand): 5'-GAGCTGGACAGAGCCCGCCCAATGCACTTCTTAACAATGTAGAAGACATCATCCACCATG[C>A]TGGATGTCAGCTGGCCCTTCTCATAGGTGTCCAGAGCCACAGCCTACCCAAAAGGCAAAG-3'
Protein context (NP_056201.2, residues 443-463): DTYEKGQLTS[Ser453Ile]MVDDVFYIVK

ClinVar aggregate classification (germline): Uncertain significance. Review status: criteria provided, multiple submitters, no conflicts (2 of 4 stars). 2 submissions from 2 submitters: Uncertain significance (2). Last evaluated 2024-06-26.

Conditions:
Inborn genetic diseases. Identifiers: MedGen C0950123, MeSH D030342.
COG4-congenital disorder of glycosylation. Also called: CONGENITAL DISORDER OF GLYCOSYLATION, TYPE IIj; CDG IIj; COG4-CDG. Identifiers: Orphanet 263501, MedGen C4303552, MONDO:0013281, OMIM 613489.

Allele frequency attached by ClinVar (database versions not stated): gnomAD 0.00001 and 0.00002; ExAC 0.00002; gnomAD exomes 0.00002; TOPMed 0.00003; 1000 Genomes Project 30x 0.00031; 1000 Genomes Project 0.00040.

Submissions (2):

Ambry Genetics
Classification: Uncertain significance for Inborn genetic diseases. Last evaluated: 2024-06-26. Review status: criteria provided, single submitter. Criteria: Ambry Variant Classification Scheme 2023. Collection method: clinical testing. Allele origin: germline.

Labcorp Genetics (formerly Invitae), Labcorp
Classification: Uncertain significance for COG4-congenital disorder of glycosylation. Last evaluated: 2022-01-26. Review status: criteria provided, single submitter. Criteria: Invitae Variant Classification Sherloc (09022015). Collection method: clinical testing. Allele origin: germline.
Comment: This sequence change replaces serine, which is neutral and polar, with isoleucine, which is neutral and non-polar, at codon 453 of the COG4 protein (p.Ser453Ile). This variant is present in population databases (rs149376914, gnomAD 0.01%). This variant has not been reported in the literature in individuals affected with COG4-related conditions. ClinVar contains an entry for this variant (Variation ID: 1044537). Algorithms developed to predict the effect of missense changes on protein structure and function (SIFT, PolyPhen-2, Align-GVGD) all suggest that this variant is likely to be disruptive. In summary, the available evidence is currently insufficient to determine the role of this variant in disease. Therefore, it has been classified as a Variant of Uncertain Significance.